The following is an entry in ClinVar:

NM_031206.7(LAS1L):c.629A>C (p.Asp210Ala)

Gene: LAS1L (LAS1 like ribosome biogenesis factor; minus strand). Cytogenetic location: Xq12.
Variant type: single nucleotide variant.
Coding change: c.629A>C on transcript NM_031206.7 (MANE Select); coding-DNA position 629, A replaced by C.
Protein change: p.Asp210Ala; replaces aspartic acid 210 with alanine.
Molecular consequence: missense variant. On other transcripts: 5 prime UTR variant (1), non-coding transcript variant (3).
Genome position (GRCh38, 1-based): chrX:65,529,764, T>G on the plus strand (A>C on the coding strand, the complement: LAS1L is on the minus strand). VCF-style: chrX-65529764-T-G. GRCh37 (hg19) VCF-style: chrX-64749644-T-G.
Other names: c.629A>C, p.Asp210Ala (NM_001170649.2, NM_001375328.1, NM_001375329.1 and 10 more transcripts); c.503A>C, p.Asp168Ala (NM_001170650.2); c.-168A>C (NM_001375332.1); short protein forms D210A, D168A.
Identifiers: ClinVar variation 4777824 (VCV004777824.1).
Genomic context (GRCh38, chrX:65,529,764, plus strand): 5'-TGAGGCTCTGGTTTCTGTTCTGTGATGTCATCAACAACAATGTTCTTATCTTCCTCTTGA[T>G]CCTCTTCCTCTATCCCTTCCCTGAACTCCTCCAACTCCCAGGTCTCTCTCAGGCTGTTCT-3'
Protein context (NP_112483.1, residues 200-220): EEFREGIEEE[Asp210Ala]QEEDKNIVVD

ClinVar aggregate classification (germline): Uncertain significance (1 of 4 stars; one submission).

Conditions:
Wilson-Turner syndrome (WTS). Also called: MENTAL RETARDATION, X-LINKED, SYNDROMIC 6; INTELLECTUAL DEVELOPMENTAL DISORDER, X-LINKED, SYNDROMIC, WILSON-TURNER TYPE. Identifiers: Orphanet 3459, MedGen C1839736, MONDO:0010665, OMIM 309585.

gnomAD v4.1: 5 of 1,211,682 alleles (0.00041%); highest among the groups gnomAD compares: Non-Finnish European, 0.00034%; no homozygotes.

Submission:

Labcorp Genetics (formerly Invitae), Labcorp
Classification: Uncertain significance for Wilson-Turner syndrome. Last evaluated: 2025-04-13. Review status: criteria provided, single submitter. Criteria: Invitae Variant Classification Sherloc (09022015). Collection method: clinical testing. Allele origin: germline.
Comment: This sequence change replaces aspartic acid, which is acidic and polar, with alanine, which is neutral and non-polar, at codon 210 of the LAS1L protein (p.Asp210Ala). This variant is not present in population databases (gnomAD no frequency). This variant has not been reported in the literature in individuals affected with LAS1L-related conditions. Invitae Evidence Modeling of protein sequence and biophysical properties (such as structural, functional, and spatial information, amino acid conservation, physicochemical variation, residue mobility, and thermodynamic stability) indicates that this missense variant is not expected to disrupt LAS1L protein function with a negative predictive value of 80%. In summary, the available evidence is currently insufficient to determine the role of this variant in disease. Therefore, it has been classified as a Variant of Uncertain Significance.